The following is an entry in ClinVar:

NM_001723.7(DST):c.6289A>G (p.Thr2097Ala)

Gene: DST (dystonin; minus strand). Cytogenetic location: 6p12.1.
Variant type: single nucleotide variant.
Coding change: c.6289A>G on transcript NM_001723.7 (MANE Plus Clinical); coding-DNA position 6289, A replaced by G.
Protein change: p.Thr2097Ala; replaces threonine 2097 with alanine.
Molecular consequence: missense variant. On other transcripts: intron variant (10).
Genome position (GRCh38, 1-based): chr6:56,617,178, T>C on the plus strand (A>G on the coding strand, the complement: DST is on the minus strand). VCF-style: chr6-56617178-T-C. GRCh37 (hg19) VCF-style: chr6-56481976-T-C.
Other names: c.4297-2694A>G (NM_001374730.1, NM_001386100.1, NM_183380.4 and 1 more transcripts); c.3319-2694A>G (NM_015548.5); c.4831-2694A>G (NM_001144769.5); c.4930-2694A>G (NM_001374722.1, NM_001374736.1); c.4957-2694A>G (NM_001374734.1); c.4417-2694A>G (NM_001144770.2); short protein forms T2097A.
Identifiers: ClinVar variation 570538 (VCV000570538.9), dbSNP rs373440035, ClinGen allele CA3870195.

ClinVar aggregate classification (germline): Uncertain significance. Review status: criteria provided, single submitter (1 of 4 stars). 2 submissions from 2 submitters: Uncertain significance (1). 1 of the submissions does not count toward it. Last evaluated 2022-02-19.

Conditions:
Charcot-Marie-Tooth disease. Also called: Charcot-Marie-Tooth Neuropathy; Charcot-Marie-Tooth Hereditary Neuropathy. Identifiers: Orphanet 166, MedGen C0007959, MONDO:0015626.
Hereditary sensory and autonomic neuropathy type 6. Also called: Neuropathy, hereditary sensory and autonomic, type VI; HSAN VI. Identifiers: Orphanet 314381, MedGen C3539003, MONDO:0013839, OMIM 614653.
Epidermolysis bullosa simplex 3, localized or generalized intermediate, with BP230 deficiency (EBS3). Also called: Epidermolysis bullosa simplex due to BP230 deficiency; Epidermolysis bullosa simplex, autosomal recessive 2. Identifiers: Orphanet 412181, MedGen C3809470, MONDO:0014180, OMIM 615425.

Allele frequency attached by ClinVar (database versions not stated): gnomAD 0.00001; gnomAD exomes 0.00001 and 0.00003; TOPMed 0.00001; ExAC 0.00003; ESP Exome Variant Server 0.00008.
gnomAD v4.1: 18 of 1,601,748 alleles (0.0011%); highest among the groups gnomAD compares: Admixed American, 0.0068%; no homozygotes.

Submissions (2):

Labcorp Genetics (formerly Invitae), Labcorp
Classification: Uncertain significance for Epidermolysis bullosa simplex 3, localized or generalized intermediate, with BP230 deficiency; Hereditary sensory and autonomic neuropathy type 6. Last evaluated: 2022-02-19. Review status: criteria provided, single submitter. Criteria: Invitae Variant Classification Sherloc (09022015). Collection method: clinical testing. Allele origin: germline.
Comment: This sequence change replaces threonine, which is neutral and polar, with alanine, which is neutral and non-polar, at codon 2097 of the DST protein (p.Thr2097Ala). This variant is present in population databases (rs373440035, gnomAD 0.02%). This variant has not been reported in the literature in individuals affected with DST-related conditions. ClinVar contains an entry for this variant (Variation ID: 570538). Algorithms developed to predict the effect of missense changes on protein structure and function (SIFT, PolyPhen-2, Align-GVGD) all suggest that this variant is likely to be tolerated. In summary, the available evidence is currently insufficient to determine the role of this variant in disease. Therefore, it has been classified as a Variant of Uncertain Significance.

Inherited Neuropathy Consortium
Classification: Likely pathogenic for Charcot-Marie-Tooth disease. Review status: no assertion criteria provided. Collection method: provider interpretation. Allele origin: inherited. Affected: yes. Not counted in ClinVar's aggregate classification.